The following is an entry in ClinVar:

NM_001042492.3(NF1):c.4085_4094del (p.Arg1362fs)

Gene: NF1 (neurofibromin 1; plus strand). Cytogenetic location: 17q11.2.
Variant type: Deletion.
Coding change: c.4085_4094del on transcript NM_001042492.3 (MANE Select); coding-DNA positions 4085 to 4094, 10 bases deleted (GAAGTGTGTG; older notation c.4085_4094delGAAGTGTGTG).
Protein change: p.Arg1362fs; shifts the reading frame from arginine 1362.
Molecular consequence: frameshift variant.
Genome position (GRCh38, 1-based): chr17:31,249,094-31,249,103, GAAGTGTGTG deleted. VCF-style (leftmost placement, unchanged base first): chr17-31249093-CGAAGTGTGTG-C. GRCh37 (hg19) VCF-style: chr17-29576111-CGAAGTGTGTG-C.
Other names: c.4085_4094del, p.Arg1362fs (NM_000267.4); short protein forms R1362fs.
Identifiers: ClinVar variation 4720728 (VCV004720728.1).

ClinVar aggregate classification (germline): Pathogenic (1 of 4 stars; one submission).

Conditions:
Neurofibromatosis, type 1 (NF1). Also called: NEUROFIBROMATOSIS, TYPE I, SOMATIC; VON RECKLINGHAUSEN DISEASE; Peripheral type neurofibromatosis; Neurofibromatosis, type I. Identifiers: Orphanet 636, MedGen C0027831, MONDO:0018975, OMIM 162200. Disease mechanism: loss of function.

Submission:

Labcorp Genetics (formerly Invitae), Labcorp
Classification: Pathogenic for Neurofibromatosis, type 1. Last evaluated: 2025-06-04. Review status: criteria provided, single submitter. Criteria: Invitae Variant Classification Sherloc (09022015). Collection method: clinical testing. Allele origin: germline.
Comment: This sequence change creates a premature translational stop signal (p.Arg1362Profs*20) in the NF1 gene. It is expected to result in an absent or disrupted protein product. Loss-of-function variants in NF1 are known to be pathogenic (PMID: 10712197, 23913538). This variant is not present in population databases (gnomAD no frequency). This variant has not been reported in the literature in individuals affected with NF1-related conditions. For these reasons, this variant has been classified as Pathogenic.

Literature cited by the submitters: PubMed 10712197; PubMed 23913538.